The following is an entry in ClinVar:

NM_004656.4(BAP1):c.783+1G>A

Gene: BAP1 (BRCA1 associated deubiquitinase 1; minus strand). Cytogenetic location: 3p21.1.
Variant type: single nucleotide variant.
Coding change: c.783+1G>A on transcript NM_004656.4 (MANE Select); the canonical splice donor site of the intron after coding-DNA position 783, G replaced by A.
Molecular consequence: splice donor variant.
Genome position (GRCh38, 1-based): chr3:52,406,252, C>T on the plus strand (G>A on the coding strand, the complement: BAP1 is on the minus strand). VCF-style: chr3-52406252-C-T. GRCh37 (hg19) VCF-style: chr3-52440268-C-T.
Other names: c.729+1G>A (NM_001410772.1).
Identifiers: ClinVar variation 956211 (VCV000956211.8), dbSNP rs1705153755, ClinGen allele CA353107018.

ClinVar aggregate classification (germline): Likely pathogenic. Review status: criteria provided, multiple submitters, no conflicts (2 of 4 stars). 2 submissions from 2 submitters: Likely pathogenic (2). Last evaluated 2023-01-24.

Conditions:
BAP1-related tumor predisposition syndrome (TPDS1). Also called: Tumor susceptibility linked to germline BAP1 mutations; COMMON Syndrome; TUMOR PREDISPOSITION SYNDROME 1; BAP1 tumor predisposition syndrome. Identifiers: Orphanet 289539, MedGen C3280492, MONDO:0013692, OMIM 614327.

Submissions (2):

Baylor Genetics
Classification: Likely pathogenic for BAP1-related tumor predisposition syndrome. Last evaluated: 2023-01-24. Review status: criteria provided, single submitter. Criteria: ACMG Guidelines, 2015. Collection method: clinical testing. Allele origin: unknown.

Labcorp Genetics (formerly Invitae), Labcorp
Classification: Likely pathogenic for BAP1-related tumor predisposition syndrome. Last evaluated: 2020-03-05. Review status: criteria provided, single submitter. Criteria: Invitae Variant Classification Sherloc (09022015). Collection method: clinical testing. Allele origin: germline.
Comment: In summary, the currently available evidence indicates that the variant is pathogenic, but additional data are needed to prove that conclusively. Therefore, this variant has been classified as Likely Pathogenic. Donor and acceptor splice site variants typically lead to a loss of protein function (PMID: 16199547), and loss-of-function variants in BAP1 are known to be pathogenic (PMID: 21874000, 23684012). This variant has not been reported in the literature in individuals with BAP1-related conditions. This variant is not present in population databases (ExAC no frequency). This sequence change affects a donor splice site in intron 9 of the BAP1 gene. It is expected to disrupt RNA splicing and likely results in an absent or disrupted protein product.

Literature cited by the submitters: PubMed 16199547 (cited by Labcorp Genetics (formerly Invitae), Labcorp); PubMed 21874000 (cited by Labcorp Genetics (formerly Invitae), Labcorp); PubMed 23684012 (cited by Labcorp Genetics (formerly Invitae), Labcorp).